The following is an entry in ClinVar:

NM_006944.3(SPP2):c.536A>G (p.Tyr179Cys)

Gene: SPP2 (secreted phosphoprotein 2; plus strand). Cytogenetic location: 2q37.1.
Variant type: single nucleotide variant.
Coding change: c.536A>G on transcript NM_006944.3 (MANE Select); coding-DNA position 536, A replaced by G.
Protein change: p.Tyr179Cys; replaces tyrosine 179 with cysteine.
Molecular consequence: missense variant.
Genome position (GRCh38, 1-based): chr2:234,067,260, A>G. VCF-style: chr2-234067260-A-G. GRCh37 (hg19) VCF-style: chr2-234975904-A-G.
Other names: c.536A>G (NM_006944.2); short protein forms Y179C.
Identifiers: ClinVar variation 1003102 (VCV001003102.9), dbSNP rs776382313, ClinGen allele CA2183248.

ClinVar aggregate classification (germline): Uncertain significance. Review status: criteria provided, multiple submitters, no conflicts (2 of 4 stars). 2 submissions from 2 submitters: Uncertain significance (2). Last evaluated 2025-03-17.

Allele frequency attached by ClinVar (database versions not stated): ExAC 0.00002; gnomAD 0.00002 and 0.00006; gnomAD exomes 0.00002 and 0.00003; TOPMed 0.00007.

Submissions (2):

Labcorp Genetics (formerly Invitae), Labcorp
Classification: Uncertain significance. Last evaluated: 2025-03-17. Review status: criteria provided, single submitter. Criteria: Invitae Variant Classification Sherloc (09022015). Collection method: clinical testing. Allele origin: germline.
Comment: This sequence change replaces tyrosine, which is neutral and polar, with cysteine, which is neutral and slightly polar, at codon 179 of the SPP2 protein (p.Tyr179Cys). This variant is present in population databases (rs776382313, gnomAD 0.006%). This variant has not been reported in the literature in individuals affected with SPP2-related conditions. ClinVar contains an entry for this variant (Variation ID: 1003102). An algorithm developed to predict the effect of missense changes on protein structure and function (PolyPhen-2) suggests that this variant is likely to be disruptive. In summary, the available evidence is currently insufficient to determine the role of this variant in disease. Therefore, it has been classified as a Variant of Uncertain Significance.

Ambry Genetics
Classification: Uncertain significance. Last evaluated: 2021-07-14. Review status: criteria provided, single submitter. Criteria: Ambry Variant Classification Scheme 2023. Collection method: clinical testing. Allele origin: germline.